The following is an entry in ClinVar:

ClinVar aggregate classification (germline): Uncertain significance (1 of 4 stars; one submission).

Conditions:
Inborn genetic diseases. Identifiers: MedGen C0950123, MeSH D030342.

Submission:

Ambry Genetics
Classification: Uncertain significance for Inborn genetic diseases. Last evaluated: 2022-05-12. Review status: criteria provided, single submitter. Criteria: Ambry Variant Classification Scheme 2023. Collection method: clinical testing. Allele origin: germline.
Comment: The p.S174N variant (also known as c.521G>A), located in coding exon 3 of the GAN gene, results from a G to A substitution at nucleotide position 521. The serine at codon 174 is replaced by asparagine, an amino acid with highly similar properties. This amino acid position is conserved. In addition, this alteration is predicted to be tolerated by in silico analysis. Since supporting evidence is limited at this time, the clinical significance of this alteration remains unclear.

NM_022041.4(GAN):c.521G>A (p.Ser174Asn)

Gene: GAN (gigaxonin; plus strand). Cytogenetic location: 16q23.2.
Variant type: single nucleotide variant.
Coding change: c.521G>A on transcript NM_022041.4 (MANE Select); coding-DNA position 521, G replaced by A.
Protein change: p.Ser174Asn; replaces serine 174 with asparagine.
Molecular consequence: missense variant. On other transcripts: 5 prime UTR variant (1).
Genome position (GRCh38, 1-based): chr16:81,354,643, G>A. VCF-style: chr16-81354643-G-A. GRCh37 (hg19) VCF-style: chr16-81388248-G-A.
Other names: c.-119G>A (NM_001377486.1); short protein forms S174N.
Identifiers: ClinVar variation 1746155 (VCV001746155.2), dbSNP rs2507729377, ClinGen allele CA396868768.